The following is an entry in ClinVar:

ClinVar aggregate classification (germline): Uncertain significance (0 of 4 stars; one submission).

Conditions:
TEX15-related disorder. Also called: TEX15-related condition.

Submission:

PreventionGenetics, part of Exact Sciences
Classification: Uncertain significance for TEX15-related condition. Last evaluated: 2024-08-30. Review status: no assertion criteria provided. Collection method: clinical testing. Allele origin: germline.
Comment: The TEX15 c.1829G>A variant is predicted to result in the amino acid substitution p.Ser610Asn. To our knowledge, this variant has not been reported in the literature or in a large population database, indicating this variant is rare. At this time, the clinical significance of this variant is uncertain due to the absence of conclusive functional and genetic evidence.

NM_001350162.2(TEX15):c.1829G>A (p.Ser610Asn)

Gene: TEX15 (testis expressed 15, meiosis and synapsis associated; minus strand). Cytogenetic location: 8p12.
Variant type: single nucleotide variant.
Coding change: c.1829G>A on transcript NM_001350162.2 (MANE Select); coding-DNA position 1829, G replaced by A.
Protein change: p.Ser610Asn; replaces serine 610 with asparagine.
Molecular consequence: missense variant.
Genome position (GRCh38, 1-based): chr8:30,848,338, C>T on the plus strand (G>A on the coding strand, the complement: TEX15 is on the minus strand). VCF-style: chr8-30848338-C-T. GRCh37 (hg19) VCF-style: chr8-30705854-C-T.
Other names: short protein forms S610N.
Identifiers: ClinVar variation 3345771 (VCV003345771.1).